The following is an entry in ClinVar:

NM_001148.6(ANK2):c.5327G>A (p.Arg1776Gln)

Genes: ANK2 (ankyrin 2; plus strand), LOC126807136 (MED14-independent group 3 enhancer GRCh37_chr4:114274931-114276130; plus strand). Cytogenetic location: 4q26.
Variant type: single nucleotide variant.
Coding change: c.5327G>A on transcript NM_001148.6 (MANE Select); coding-DNA position 5327, G replaced by A.
Protein change: p.Arg1776Gln; replaces arginine 1776 with glutamine.
Molecular consequence: missense variant. On other transcripts: intron variant (68).
Genome position (GRCh38, 1-based): chr4:113,353,945, G>A. VCF-style: chr4-113353945-G-A. GRCh37 (hg19) VCF-style: chr4-114275101-G-A.
Other names: c.5093G>A, p.Arg1698Gln (NM_001386142.1); c.1727G>A, p.Arg576Gln (NM_001386166.1); c.5468G>A, p.Arg1823Gln (NM_001386174.1); c.5444G>A, p.Arg1815Gln (NM_001386175.1); c.4411+3696G>A (NM_001386186.2, NM_001386148.2); c.4213+3696G>A (NM_001354269.3); c.4291+3696G>A (NM_001386187.2); c.4252+3696G>A (NM_001386147.1); and 35 more; short protein forms R1698Q, R1776Q, R1815Q, R1823Q, R576Q.
Identifiers: ClinVar variation 1200651 (VCV001200651.10), dbSNP rs150207892, ClinGen allele CA3051203.

ClinVar aggregate classification (germline): Conflicting classifications of pathogenicity. Review status: criteria provided, conflicting classifications (1 of 4 stars). 3 submissions from 3 submitters: Uncertain significance (2); Likely benign (1). Last evaluated 2024-07-17.

Conditions:
Long QT syndrome (LQTS). Identifiers: MedGen C0023976, MeSH D008133, MONDO:0002442. Disease mechanism: loss of function. Inheritance: Various modes of inheritance.
Cardiovascular phenotype. Identifiers: MedGen CN230736.

Allele frequency attached by ClinVar (database versions not stated): gnomAD exomes below 0.00001 and 0.00001; gnomAD 0.00001; ExAC 0.00002; TOPMed 0.00003; ESP Exome Variant Server 0.00008.
gnomAD v4.1: 9 of 1,613,898 alleles (0.00056%); highest among the groups gnomAD compares: East Asian, 0.0022%; 1 homozygote.

Submissions (3):

Labcorp Genetics (formerly Invitae), Labcorp
Classification: Uncertain significance for Long QT syndrome. Last evaluated: 2024-07-17. Review status: criteria provided, single submitter. Criteria: Invitae Variant Classification Sherloc (09022015). Collection method: clinical testing. Allele origin: germline.
Comment: This sequence change replaces arginine, which is basic and polar, with glutamine, which is neutral and polar, at codon 1776 of the ANK2 protein (p.Arg1776Gln). This variant is present in population databases (rs150207892, gnomAD 0.01%). This variant has not been reported in the literature in individuals affected with ANK2-related conditions. ClinVar contains an entry for this variant (Variation ID: 1200651). An algorithm developed to predict the effect of missense changes on protein structure and function (PolyPhen-2) suggests that this variant is likely to be tolerated. In summary, the available evidence is currently insufficient to determine the role of this variant in disease. Therefore, it has been classified as a Variant of Uncertain Significance.

Ambry Genetics
Classification: Uncertain significance for Cardiovascular phenotype. Last evaluated: 2022-09-02. Review status: criteria provided, single submitter. Criteria: Ambry Variant Classification Scheme 2023. Collection method: clinical testing. Allele origin: germline.
Comment: The p.R1776Q variant (also known as c.5327G>A), located in coding exon 38 of the ANK2 gene, results from a G to A substitution at nucleotide position 5327. The arginine at codon 1776 is replaced by glutamine, an amino acid with highly similar properties. This amino acid position is conserved. In addition, this alteration is predicted to be tolerated by in silico analysis. Since supporting evidence is limited at this time, the clinical significance of this alteration remains unclear.

GeneDx
Classification: Likely benign. Last evaluated: 2020-03-26. Review status: criteria provided, single submitter. Criteria: GeneDx Variant Classification Process June 2021. Collection method: clinical testing. Allele origin: germline. Affected: yes.